The following is an entry in ClinVar:

ClinVar aggregate classification (germline): Conflicting classifications of pathogenicity. Review status: criteria provided, conflicting classifications (1 of 4 stars). 5 submissions from 5 submitters: Uncertain significance (3); Likely benign (1). 1 of the submissions does not count toward it. Last evaluated 2026-01-28.

Conditions:
Autosomal dominant familial hematuria-retinal arteriolar tortuosity-contractures syndrome. Also called: Hereditary Angiopathy with Nephropathy, Aneurysms, and Muscle Cramps (HANAC) Syndrome; Angiopathy, hereditary, with nephropathy, aneurysms, and muscle cramps. Identifiers: Orphanet 73229, MedGen C2673195, MONDO:0012726, OMIM 611773.
Hemorrhage, intracerebral, susceptibility to (ICH). Also called: Stroke, hemorrhagic, susceptibility to. Identifiers: MedGen C3281105, MONDO:0100533, OMIM 614519.
Retinal arterial tortuosity. Also called: Retinal arteries, tortuosity of; RETINAL HEMORRHAGE WITH VASCULAR TORTUOSITY. Identifiers: Orphanet 75326, MedGen C0423401, MONDO:0008373, OMIM 180000, HP:0000631.
Brain small vessel disease 1 with or without ocular anomalies (BSVD1). Also called: Brain small vessel disease with or without ocular anomalies; GOULD SYNDROME 1; BRAIN SMALL VESSEL DISEASE WITH HEMORRHAGE; PORENCEPHALY, TYPE 1, AUTOSOMAL DOMINANT. Identifiers: Orphanet 2940, Orphanet 36383, Orphanet 99810, MedGen C4755307, MONDO:0008289, OMIM 175780.
Microangiopathy and leukoencephalopathy, pontine, autosomal dominant. Also called: DEMENTIA, HEREDITARY MULTI-INFARCT, SWEDISH TYPE; Pontine autosomal dominant microangiopathy with leukoencephalopathy. Identifiers: Orphanet 477749, MedGen C5231411, MONDO:0032814, OMIM 618564.
COL4A1-related disorder. Also called: COL4A1-related condition; COL4A1-related disorders. Identifiers: MedGen CN376119, MONDO:0800461.

Allele frequency attached by ClinVar (database versions not stated): gnomAD exomes 0.00001; ExAC 0.00002; gnomAD 0.00002; TOPMed 0.00003.
gnomAD v4.1: 23 of 1,613,910 alleles (0.0014%); highest among the groups gnomAD compares: Admixed American, 0.0067%; no homozygotes.

Submissions (5):

Labcorp Genetics (formerly Invitae), Labcorp
Classification: Uncertain significance. Last evaluated: 2026-01-28. Review status: criteria provided, single submitter. Criteria: Invitae Variant Classification Sherloc (09022015). Collection method: clinical testing. Allele origin: germline.
Comment: This sequence change replaces alanine, which is neutral and non-polar, with valine, which is neutral and non-polar, at codon 325 of the COL4A1 protein (p.Ala325Val). This variant is present in population databases (rs765125915, gnomAD 0.009%). This variant has not been reported in the literature in individuals affected with COL4A1-related conditions. ClinVar contains an entry for this variant (Variation ID: 2075628). Invitae Evidence Modeling of protein sequence and biophysical properties (such as structural, functional, and spatial information, amino acid conservation, physicochemical variation, residue mobility, and thermodynamic stability) indicates that this missense variant is not expected to disrupt COL4A1 protein function with a negative predictive value of 95%. Algorithms developed to predict the effect of sequence changes on RNA splicing suggest that this variant may disrupt the consensus splice site. In summary, the available evidence is currently insufficient to determine the role of this variant in disease. Therefore, it has been classified as a Variant of Uncertain Significance.

Revvity Omics, Revvity
Classification: Uncertain significance. Last evaluated: 2024-12-10. Review status: criteria provided, single submitter. Criteria: ACMG Guidelines, 2015. Collection method: clinical testing. Allele origin: germline.

Fulgent Genetics
Classification: Likely benign for Brain small vessel disease 1 with or without ocular anomalies; Retinal arterial tortuosity; Autosomal dominant familial hematuria-retinal arteriolar tortuosity-contractures syndrome; Hemorrhage, intracerebral, susceptibility to; Microangiopathy and leukoencephalopathy, pontine, autosomal dominant. Last evaluated: 2024-02-21. Review status: criteria provided, single submitter. Criteria: ACMG Guidelines, 2015. Collection method: clinical testing. Allele origin: germline.

Blueprint Genetics
Classification: Uncertain significance. Last evaluated: 2023-08-14. Review status: criteria provided, single submitter. Criteria: ACMG Guidelines, 2015. Collection method: clinical testing. Allele origin: germline.

PreventionGenetics, part of Exact Sciences
Classification: Uncertain significance for COL4A1-related condition. Last evaluated: 2023-10-27. Review status: no assertion criteria provided. Collection method: clinical testing. Allele origin: germline. Not counted in ClinVar's aggregate classification.
Comment: The COL4A1 c.974C>T variant is predicted to result in the amino acid substitution p.Ala325Val. To our knowledge, this variant has not been reported in the literature. This variant is reported in 0.014% of alleles in individuals of Latino descent in gnomAD. At this time, the clinical significance of this variant is uncertain due to the absence of conclusive functional and genetic evidence.

NM_001845.6(COL4A1):c.974C>T (p.Ala325Val)

Gene: COL4A1 (collagen type IV alpha 1 chain; minus strand). Cytogenetic location: 13q34.
Variant type: single nucleotide variant.
Coding change: c.974C>T on transcript NM_001845.6 (MANE Select); coding-DNA position 974, C replaced by T.
Protein change: p.Ala325Val; replaces alanine 325 with valine.
Molecular consequence: missense variant.
Genome position (GRCh38, 1-based): chr13:110,203,591, G>A on the plus strand (C>T on the coding strand, the complement: COL4A1 is on the minus strand). VCF-style: chr13-110203591-G-A. GRCh37 (hg19) VCF-style: chr13-110855938-G-A.
Other names: c.974C>T, p.Ala325Val (NM_001303110.2); c.974C>T (NM_001845.5); short protein forms A325V.
Identifiers: ClinVar variation 2075628 (VCV002075628.9), dbSNP rs765125915, ClinGen allele CA7048177.
Genomic context (GRCh38, chr13:110,203,591, plus strand): 5'-GCTCTCACAGACCCAGGGACAGCACTCTTACTCACAATTCCAGGTGGGCCAGGAGGACCT[G>A]CTTCACCCTTTTCTCCCTACAAAAGAAAAAATAACTTTCCTTGCATATTCTTACTATAAA-3'
Protein context (NP_001836.3, residues 315-335): RQGPQGEKGE[Ala325Val]GPPGPPGIVI